The following is an entry in ClinVar:

NM_006648.4(WNK2):c.2870C>G (p.Pro957Arg)

Gene: WNK2 (WNK lysine deficient protein kinase 2; plus strand). Cytogenetic location: 9q22.31.
Variant type: single nucleotide variant.
Coding change: c.2870C>G on transcript NM_006648.4 (MANE Select); coding-DNA position 2870, C replaced by G.
Protein change: p.Pro957Arg; replaces proline 957 with arginine.
Molecular consequence: missense variant.
Genome position (GRCh38, 1-based): chr9:93,259,418, C>G. VCF-style: chr9-93259418-C-G. GRCh37 (hg19) VCF-style: chr9-96021700-C-G.
Other names: c.2870C>G, p.Pro957Arg (NM_001282394.3); short protein forms P957R.
Identifiers: ClinVar variation 4866747 (VCV004866747.1).

ClinVar aggregate classification (germline): Uncertain significance (1 of 4 stars; one submission).

Submission:

Ambry Genetics
Classification: Uncertain significance. Last evaluated: 2026-06-08. Review status: criteria provided, single submitter. Criteria: Ambry Variant Classification Scheme 2023. Collection method: clinical testing. Allele origin: germline.
Comment: The p.P957R variant (also known as c.2870C>G), located in coding exon 11 of the WNK2 gene, results from a C to G substitution at nucleotide position 2870. The proline at codon 957 is replaced by arginine, an amino acid with dissimilar properties. This amino acid position is conserved. In addition, this alteration is predicted to be tolerated by in silico analysis. Based on the available evidence, the clinical significance of this variant remains unclear.